The following is an entry in ClinVar:

ClinVar aggregate classification (germline): Uncertain significance. Review status: criteria provided, multiple submitters, no conflicts (2 of 4 stars). 2 submissions from 2 submitters: Uncertain significance (2). Last evaluated 2024-01-19.

Conditions:
Hereditary cancer-predisposing syndrome. Also called: Neoplastic Syndromes, Hereditary; Hereditary Cancer Syndrome; Hereditary neoplastic syndrome; Tumor predisposition. Identifiers: Orphanet 140162, MedGen C0027672, MeSH D009386, MONDO:0015356.
Familial cancer of breast. Also called: BREAST CANCER, FAMILIAL; hereditary breast carcinoma; Hereditary breast cancer. Identifiers: Orphanet 227535, MedGen C0346153, MONDO:0016419, OMIM 114480. Disease mechanism: loss of function.

Submissions (2):

Ambry Genetics
Classification: Uncertain significance for Hereditary cancer-predisposing syndrome. Last evaluated: 2024-01-19. Review status: criteria provided, single submitter. Criteria: Ambry Variant Classification Scheme 2023. Collection method: clinical testing. Allele origin: germline.
Comment: The p.R427S variant (also known as c.1281A>C), located in coding exon 4 of the BARD1 gene, results from an A to C substitution at nucleotide position 1281. The arginine at codon 427 is replaced by serine, an amino acid with dissimilar properties. This amino acid position is well conserved in available vertebrate species. In addition, this alteration is predicted to be tolerated by in silico analysis. Since supporting evidence is limited at this time, the clinical significance of this alteration remains unclear.

Labcorp Genetics (formerly Invitae), Labcorp
Classification: Uncertain significance for Familial cancer of breast. Last evaluated: 2021-09-24. Review status: criteria provided, single submitter. Criteria: Invitae Variant Classification Sherloc (09022015). Collection method: clinical testing. Allele origin: germline.
Comment: This sequence change replaces arginine with serine at codon 427 of the BARD1 protein (p.Arg427Ser). The arginine residue is moderately conserved and there is a moderate physicochemical difference between arginine and serine. This variant is not present in population databases (ExAC no frequency). This variant has not been reported in the literature in individuals with BARD1-related conditions. ClinVar contains an entry for this variant (Variation ID: 479190). Algorithms developed to predict the effect of missense changes on protein structure and function are either unavailable or do not agree on the potential impact of this missense change (SIFT: "Deleterious"; PolyPhen-2: "Benign"; Align-GVGD: "Class C35"). In summary, the available evidence is currently insufficient to determine the role of this variant in disease. Therefore, it has been classified as a Variant of Uncertain Significance.

NM_000465.4(BARD1):c.1281A>C (p.Arg427Ser)

Gene: BARD1 (BRCA1 associated RING domain 1; minus strand). Cytogenetic location: 2q35.
Variant type: single nucleotide variant.
Coding change: c.1281A>C on transcript NM_000465.4 (MANE Select); coding-DNA position 1281, A replaced by C.
Protein change: p.Arg427Ser; replaces arginine 427 with serine.
Molecular consequence: missense variant. On other transcripts: non-coding transcript variant (2), intron variant (3).
Genome position (GRCh38, 1-based): chr2:214,780,593, T>G on the plus strand (A>C on the coding strand, the complement: BARD1 is on the minus strand). VCF-style: chr2-214780593-T-G. GRCh37 (hg19) VCF-style: chr2-215645317-T-G.
Other names: c.1224A>C, p.Arg408Ser (NM_001282543.2); c.159-28038A>C (NM_001282548.2); c.215+16468A>C (NM_001282545.2); c.364+11704A>C (NM_001282549.2); short protein forms R427S, R408S.
Identifiers: ClinVar variation 479190 (VCV000479190.11), dbSNP rs1553622109, ClinGen allele CA350453393.
Genomic context (GRCh38, chr2:214,780,593, plus strand): 5'-GATGGTATTTCAGAGTAAGCATCCTACCTTAATAGAAGCAATATGGAGCAAAGTCTCTCC[T>G]CTATGATTTCTTTTCACAGCCATATTGGGCAACAGCTTCATTGCTGAGGGACTAGACATC-3'
Protein context (NP_000456.2, residues 417-437): LPNMAVKRNH[Arg427Ser]GETLLHIASI